The following is an entry in ClinVar:

ClinVar aggregate classification (germline): Conflicting classifications of pathogenicity. Review status: criteria provided, conflicting classifications (1 of 4 stars). 9 submissions from 9 submitters: Uncertain significance (3); Likely benign (6). Last evaluated 2026-06-04.

Conditions:
Cardiovascular phenotype. Identifiers: MedGen CN230736.
Juvenile myelomonocytic leukemia (JMML). Also called: LEUKEMIA, JUVENILE MYELOMONOCYTIC, SOMATIC. Identifiers: Orphanet 86834, MedGen C0349639, MONDO:0011908, OMIM 607785, HP:0012209.
LEOPARD syndrome 1 (LPRD1). Also called: LENTIGINOSIS, CARDIOMYOPATHIC; MULTIPLE LENTIGINES SYNDROME; PTPN11-Related LEOPARD Syndrome. Identifiers: Orphanet 500, MedGen C4551484, MONDO:0100082, OMIM 151100.
Metachondromatosis (METCDS). Identifiers: Orphanet 2499, MedGen C0410530, MONDO:0007979, OMIM 156250.
Noonan syndrome 1 (NS1). Also called: FEMALE PSEUDO-TURNER SYNDROME; PTPN11-Related Noonan Syndrome; TURNER PHENOTYPE WITH NORMAL KARYOTYPE. Identifiers: Orphanet 648, MedGen C4551602, MONDO:0008104, OMIM 163950. Disease mechanism: gain of function.
RASopathy. Also called: rasopathies; Noonan spectrum disorder. Identifiers: Orphanet 536391, MedGen C5555857, MONDO:0021060.

Allele frequency attached by ClinVar (database versions not stated): gnomAD exomes 0.00017 and 0.00005; gnomAD 0.00006 and 0.00007; ExAC 0.00005; TOPMed 0.00009; ESP Exome Variant Server 0.00015.
gnomAD v4.1: 255 of 1,613,544 alleles (0.016%); highest among the groups gnomAD compares: Non-Finnish European, 0.021%; 1 homozygote.

Submissions (9):

Women's Health and Genetics/Laboratory Corporation of America, LabCorp
Classification: Likely benign. Last evaluated: 2026-06-04. Review status: criteria provided, single submitter. Criteria: LabCorp Variant Classification Summary - May 2015. Collection method: clinical testing. Allele origin: germline.
Comment: Variant summary: PTPN11 c.1682C>T (p.Pro561Leu) results in a non-conservative amino acid change in the encoded protein sequence. Algorithms developed to predict the effect of missense changes on protein structure and function are either unavailable or do not agree on the potential impact of this missense change. The variant allele was found at a frequency of 0.00016 in 1613544 control chromosomes, predominantly at a frequency of 0.00021 within the Non-Finnish European subpopulation in the gnomAD database, including one homozygote. The observed variant frequency within Non-Finnish European control individuals in the gnomAD v4 database exceeds the estimated maximal expected allele frequency for disease-causing variants in PTPN11. To our knowledge, no occurrence of c.1682C>T in individuals affected with PTPN11-related conditions and no experimental evidence demonstrating its impact on protein function have been reported. ClinVar contains an entry for this variant (Variation ID: 177887). Based on the evidence outlined above, the variant was classified as likely benign.

Labcorp Genetics (formerly Invitae), Labcorp
Classification: Uncertain significance for RASopathy. Last evaluated: 2026-01-19. Review status: criteria provided, single submitter. Criteria: Invitae Variant Classification Sherloc (09022015). Collection method: clinical testing. Allele origin: germline.
Comment: This sequence change replaces proline, which is neutral and non-polar, with leucine, which is neutral and non-polar, at codon 561 of the PTPN11 protein (p.Pro561Leu). This variant is present in population databases (rs141140214, gnomAD 0.01%). This variant has not been reported in the literature in individuals affected with PTPN11-related conditions. ClinVar contains an entry for this variant (Variation ID: 177887). Invitae Evidence Modeling of protein sequence and biophysical properties (such as structural, functional, and spatial information, amino acid conservation, physicochemical variation, residue mobility, and thermodynamic stability) indicates that this missense variant is not expected to disrupt PTPN11 protein function with a negative predictive value of 95%. In summary, the available evidence is currently insufficient to determine the role of this variant in disease. Therefore, it has been classified as a Variant of Uncertain Significance.

CeGaT Center for Human Genetics Tuebingen
Classification: Likely benign. Last evaluated: 2024-12-01. Review status: criteria provided, single submitter. Criteria: CeGaT Center For Human Genetics Tuebingen Variant Classification Criteria Version 2. Collection method: clinical testing. Allele origin: germline. Affected: yes. Observed: 2 variant alleles.
Comment: PTPN11: PP2, BS2

Blueprint Genetics
Classification: Likely benign. Last evaluated: 2023-01-18. Review status: criteria provided, single submitter. Criteria: ACMG Guidelines, 2015. Collection method: clinical testing. Allele origin: germline.

Ambry Genetics
Classification: Likely benign for Cardiovascular phenotype. Last evaluated: 2021-10-04. Review status: criteria provided, single submitter. Criteria: Ambry Variant Classification Scheme 2023. Collection method: clinical testing. Allele origin: germline.

GeneDx
Classification: Likely benign. Last evaluated: 2020-06-17. Review status: criteria provided, single submitter. Criteria: GeneDx Variant Classification Process June 2021. Collection method: clinical testing. Allele origin: germline. Affected: yes.

Fulgent Genetics
Classification: Uncertain significance for LEOPARD syndrome 1; Metachondromatosis; Noonan syndrome 1; Juvenile myelomonocytic leukemia. Last evaluated: 2017-05-23. Review status: criteria provided, single submitter. Criteria: ACMG Guidelines, 2015. Collection method: clinical testing. Allele origin: unknown.

Molecular Diagnostics Lab, Nemours Children's Health, Delaware
Classification: Uncertain significance. Last evaluated: 2015-10-01. Review status: criteria provided, single submitter. Criteria: ACMG Guidelines, 2015. Collection method: clinical testing. Allele origin: unknown. Affected: yes. Observed: 1 variant allele.

Laboratory for Molecular Medicine, Mass General Brigham Personalized Medicine
Classification: Likely benign. Last evaluated: 2015-08-14. Review status: criteria provided, single submitter. Criteria: LMM Criteria. Collection method: clinical testing. Allele origin: germline. Observed: 3 variant alleles.
Comment: p.Pro561Leu in exon 14 of PTPN11: This variant is not expected to have clinical significance due to a lack of conservation across species, including mammals. O f note, 3 mammals have a leucine (Leu) at this position despite high nearby amin o acid conservation. It has also been identified in 5/66606 of European chromoso mes by the Exome Aggregation Consortium (ExAC; d bSNP rs141140214).

NM_002834.5(PTPN11):c.1682C>T (p.Pro561Leu)

Gene: PTPN11 (protein tyrosine phosphatase non-receptor type 11; plus strand). Cytogenetic location: 12q24.13.
Variant type: single nucleotide variant.
Coding change: c.1682C>T on transcript NM_002834.5 (MANE Select); coding-DNA position 1682, C replaced by T.
Protein change: p.Pro561Leu; replaces proline 561 with leucine.
Molecular consequence: missense variant.
Genome position (GRCh38, 1-based): chr12:112,502,226, C>T. VCF-style: chr12-112502226-C-T. GRCh37 (hg19) VCF-style: chr12-112940030-C-T.
Other names: p.P561L:CCG>CTG; c.1694C>T, p.Pro565Leu (NM_001330437.2); c.1679C>T, p.Pro560Leu (NM_001374625.1); short protein forms P561L, P565L, P560L.
Identifiers: ClinVar variation 177887 (VCV000177887.48), dbSNP rs141140214, ClinGen allele CA180941.
Genomic context (GRCh38, chr12:112,502,226, plus strand): 5'-AATATACAAATATTAAGTATTCTCTAGCGGACCAGACGAGTGGAGATCAGAGCCCTCTCC[C>T]GCCTTGTACTCCAACGCCACCCTGTGCAGAGTAAGTAGTGCTGAAGGAAATTCTTTTTAC-3'
Protein context (NP_002825.3, residues 551-571): DQTSGDQSPL[Pro561Leu]PCTPTPPCAE